The following is an entry in ClinVar:

ClinVar aggregate classification (germline): Conflicting classifications of pathogenicity. Review status: criteria provided, conflicting classifications (1 of 4 stars). 11 submissions from 11 submitters: Uncertain significance (1); Benign (1); Likely benign (7). 2 of the submissions do not count toward it. Last evaluated 2026-02-01.

Conditions:
Breast and/or ovarian cancer. Identifiers: MedGen CN221562.
Hereditary cancer-predisposing syndrome. Also called: Tumor predisposition; Hereditary neoplastic syndrome; Neoplastic Syndromes, Hereditary; Hereditary Cancer Syndrome. Identifiers: Orphanet 140162, MedGen C0027672, MeSH D009386, MONDO:0015356.
Familial cancer of breast. Also called: Hereditary breast cancer; hereditary breast carcinoma; BREAST CANCER, FAMILIAL. Identifiers: Orphanet 227535, MedGen C0346153, MONDO:0016419, OMIM 114480. Disease mechanism: loss of function.
Fanconi anemia complementation group N. Also called: PALB2-Related Fanconi Anemia. Identifiers: Orphanet 84, MedGen C1835817, MONDO:0012565, OMIM 610832. Disease mechanism: loss of function.

Allele frequency attached by ClinVar (database versions not stated): ExAC 0.00002; gnomAD 0.00002; gnomAD exomes 0.00002; TOPMed 0.00002.
gnomAD v4.1: 15 of 1,613,966 alleles (0.00093%); highest among the groups gnomAD compares: Admixed American, 0.0017%; no homozygotes.

Submissions (11):

CeGaT Center for Human Genetics Tuebingen
Classification: Likely benign. Last evaluated: 2026-02-01. Review status: criteria provided, single submitter. Criteria: CeGaT Center For Human Genetics Tuebingen Variant Classification Criteria Version 2. Collection method: clinical testing. Allele origin: germline. Affected: yes. Observed: 2 variant alleles.
Comment: PALB2: BP4, BP7

Labcorp Genetics (formerly Invitae), Labcorp
Classification: Likely benign for Familial cancer of breast. Last evaluated: 2025-12-13. Review status: criteria provided, single submitter. Criteria: Invitae Variant Classification Sherloc (09022015). Collection method: clinical testing. Allele origin: germline.

Myriad Genetics, Inc.
Classification: Benign for Familial cancer of breast. Last evaluated: 2023-03-31. Review status: criteria provided, single submitter. Criteria: Myriad Autosomal Dominant, Autosomal Recessive and X-Linked Classification Criteria (2023). Collection method: clinical testing. Allele origin: unknown.
Comment: This variant is considered benign. This variant is a silent/synonymous amino acid change and it is not expected to impact splicing.

CHEO Genetics Diagnostic Laboratory, Children's Hospital of Eastern Ontario
Classification: Likely benign for Breast and/or ovarian cancer. Last evaluated: 2020-07-24. Review status: criteria provided, single submitter. Criteria: ACMG Guidelines, 2015. Collection method: clinical testing. Allele origin: germline.

Quest Diagnostics Nichols Institute San Juan Capistrano
Classification: Likely benign. Last evaluated: 2018-09-17. Review status: criteria provided, single submitter. Criteria: Quest Diagnostics criteria. Collection method: clinical testing. Allele origin: germline.

GeneDx
Classification: Likely benign. Last evaluated: 2017-05-18. Review status: criteria provided, single submitter. Criteria: GeneDx Variant Classification (06012015). Collection method: clinical testing. Allele origin: germline. Affected: yes.
Comment: This variant is considered likely benign or benign based on one or more of the following criteria: it is a conservative change, it occurs at a poorly conserved position in the protein, it is predicted to be benign by multiple in silico algorithms, and/or has population frequency not consistent with disease.

Illumina Laboratory Services, Illumina
Classification: Uncertain significance for Fanconi anemia complementation group N. Last evaluated: 2017-04-27. Review status: criteria provided, single submitter. Criteria: ICSL Variant Classification Criteria 13 December 2019. Collection method: clinical testing. Allele origin: germline.

Color Diagnostics, LLC DBA Color Health
Classification: Likely benign for Hereditary cancer-predisposing syndrome. Last evaluated: 2016-05-23. Review status: criteria provided, single submitter. Criteria: ACMG Guidelines, 2015. Collection method: clinical testing. Allele origin: germline.

Ambry Genetics
Classification: Likely benign for Hereditary cancer-predisposing syndrome. Last evaluated: 2015-03-11. Review status: criteria provided, single submitter. Criteria: Ambry Variant Classification Scheme 2023. Collection method: clinical testing. Allele origin: germline.

Leiden Open Variation Database
Classification: Likely benign for Familial cancer of breast. Last evaluated: 2019-05-13. Review status: no assertion criteria provided. Collection method: curation. Allele origin: germline. Affected: yes. Not counted in ClinVar's aggregate classification.
Comment: Curators: Marc Tischkowitz, Arleen D. Auerbach. Submitter to LOVD: Marc Tischkowitz.

Counsyl
Classification: Likely benign for Familial cancer of breast. Last evaluated: 2018-03-21. Review status: no assertion criteria provided. Collection method: clinical testing. Allele origin: unknown. Not counted in ClinVar's aggregate classification.

Literature cited by the submitters: PubMed 19763884 (cited by 3 submitters).

NM_024675.4(PALB2):c.897T>C (p.Ser299=)

Gene: PALB2 (partner and localizer of BRCA2; minus strand). Cytogenetic location: 16p12.2.
Variant type: single nucleotide variant.
Coding change: c.897T>C on transcript NM_024675.4 (MANE Select); coding-DNA position 897, T replaced by C.
Protein change: p.Ser299=; no amino-acid change (serine 299 retained).
Molecular consequence: synonymous variant.
Genome position (GRCh38, 1-based): chr16:23,635,649, A>G on the plus strand (T>C on the coding strand, the complement: PALB2 is on the minus strand). VCF-style: chr16-23635649-A-G. GRCh37 (hg19) VCF-style: chr16-23646970-A-G.
Identifiers: ClinVar variation 126776 (VCV000126776.69), dbSNP rs180177095, ClinGen allele CA269660.